The following is an entry in ClinVar:

NM_032119.4(ADGRV1):c.18373C>T (p.His6125Tyr)

Gene: ADGRV1 (adhesion G protein-coupled receptor V1; plus strand). Cytogenetic location: 5q14.3.
Variant type: single nucleotide variant.
Coding change: c.18373C>T on transcript NM_032119.4 (MANE Select); coding-DNA position 18373, C replaced by T.
Protein change: p.His6125Tyr; replaces histidine 6125 with tyrosine.
Molecular consequence: missense variant. On other transcripts: non-coding transcript variant (1).
Genome position (GRCh38, 1-based): chr5:91,102,281, C>T. VCF-style: chr5-91102281-C-T. GRCh37 (hg19) VCF-style: chr5-90398098-C-T.
Other names: short protein forms H6125Y.
Identifiers: ClinVar variation 2086500 (VCV002086500.2), dbSNP rs1791450370, ClinGen allele CA360431433.
Genomic context (GRCh38, chr5:91,102,281, plus strand): 5'-ATTCCACTGATTTTATATCTCTTTGCTCTGATTTCCGTGACATGGCTTTGGGGAGGACTA[C>T]ACATGGCCTACAGACACTTCTGGATGTTGGTTCTCTTTGTCATTTTCAACAGTCTGCAGG-3'
Protein context (NP_115495.3, residues 6115-6135): ISVTWLWGGL[His6125Tyr]MAYRHFWMLV

ClinVar aggregate classification (germline): Uncertain significance. Review status: criteria provided, multiple submitters, no conflicts (2 of 4 stars). 2 submissions from 2 submitters: Uncertain significance (2). Last evaluated 2022-04-10.

Allele frequency attached by ClinVar (database versions not stated): gnomAD exomes below 0.00001; TOPMed below 0.00001.
gnomAD v4.1: 1 of 1,610,516 alleles (0.000062%); highest among the groups gnomAD compares: Non-Finnish European, 0.000085%; no homozygotes.

Submissions (2):

Labcorp Genetics (formerly Invitae), Labcorp
Classification: Uncertain significance. Last evaluated: 2022-04-10. Review status: criteria provided, single submitter. Criteria: Invitae Variant Classification Sherloc (09022015). Collection method: clinical testing. Allele origin: germline.
Comment: This sequence change replaces histidine, which is basic and polar, with tyrosine, which is neutral and polar, at codon 6125 of the ADGRV1 protein (p.His6125Tyr). This variant is not present in population databases (gnomAD no frequency). This variant has not been reported in the literature in individuals affected with ADGRV1-related conditions. Algorithms developed to predict the effect of missense changes on protein structure and function are either unavailable or do not agree on the potential impact of this missense change (SIFT: "Deleterious"; PolyPhen-2: "Possibly Damaging"; Align-GVGD: "Class C0"). In summary, the available evidence is currently insufficient to determine the role of this variant in disease. Therefore, it has been classified as a Variant of Uncertain Significance.

Blueprint Genetics
Classification: Uncertain significance. Last evaluated: 2022-01-13. Review status: criteria provided, single submitter. Criteria: ACMG Guidelines, 2015. Collection method: clinical testing. Allele origin: germline.